The following is an entry in ClinVar:

ClinVar aggregate classification (germline): Uncertain significance (1 of 4 stars; one submission).

Conditions:
LRRC45-related disorder. Also called: LRRC45-related condition.

gnomAD v4.1: 5 of 1,499,264 alleles (0.00033%); highest among the groups gnomAD compares: African/African-American, 0.0014%; no homozygotes.

Submission:

PreventionGenetics, part of Exact Sciences
Classification: Uncertain significance for LRRC45-related condition. Last evaluated: 2026-09-18. Review status: criteria provided, single submitter. Criteria: ACMG Guidelines, 2015. Collection method: clinical testing. Allele origin: germline.
Comment: The LRRC45 c.1912C>G variant is predicted to result in the amino acid substitution p.Arg638Gly. To our knowledge, this variant has not been reported in the literature or in a large population database (gnomAD), indicating this variant is rare. At this time, the clinical significance of this variant is uncertain due to the absence of conclusive functional and genetic evidence.

NM_144999.4(LRRC45):c.1912C>G (p.Arg638Gly)

Gene: LRRC45 (leucine rich repeat containing 45; plus strand). Cytogenetic location: 17q25.3.
Variant type: single nucleotide variant.
Coding change: c.1912C>G on transcript NM_144999.4 (MANE Select); coding-DNA position 1912, C replaced by G.
Protein change: p.Arg638Gly; replaces arginine 638 with glycine.
Molecular consequence: missense variant.
Genome position (GRCh38, 1-based): chr17:82,030,704, C>G. VCF-style: chr17-82030704-C-G. GRCh37 (hg19) VCF-style: chr17-79988580-C-G.
Other names: short protein forms R638G.
Identifiers: ClinVar variation 4993764 (VCV004993764.1).